The following is an entry in ClinVar:

NM_000548.5(TSC2):c.3312_3313del (p.Gln1104fs)

Gene: TSC2 (TSC complex subunit 2; plus strand). Cytogenetic location: 16p13.3.
Variant type: Deletion.
Coding change: c.3312_3313del on transcript NM_000548.5 (MANE Select); coding-DNA positions 3312 to 3313, 2 bases deleted (GA; older notation c.3312_3313delGA).
Protein change: p.Gln1104fs; shifts the reading frame from glutamine 1104.
Molecular consequence: frameshift variant.
Genome position (GRCh38, 1-based): chr16:2,079,584-2,079,585, GA deleted; deleting any 2 consecutive bases within chr16:2,079,583-2,079,585 gives the same sequence; the c. name uses the placement nearest the transcript's 3' end. VCF-style (leftmost placement, unchanged base first): chr16-2079582-CAG-C. GRCh37 (hg19) VCF-style: chr16-2129583-CAG-C.
Other names: c.3180_3181del, p.Gln1060fs (NM_001077183.3, NM_001370404.1); c.3312_3313del, p.Gln1104fs (NM_001114382.3); c.3072_3073del, p.Gln1024fs (NM_001318827.2); c.3036_3037del, p.Gln1012fs (NM_001318829.2); c.2580_2581del, p.Gln860fs (NM_001318831.2); c.3213_3214del, p.Gln1071fs (NM_001318832.2); c.3183_3184del, p.Gln1061fs (NM_001363528.2, NM_001370405.1, NM_021055.3); short protein forms Q1024fs, Q860fs, Q1060fs, Q1012fs, Q1071fs, Q1061fs, Q1104fs.
Identifiers: ClinVar variation 65252 (VCV000065252.2), dbSNP rs397515183, ClinGen allele CA018876.
Genomic context (GRCh38, chr16:2,079,582, plus strand): 5'-CTAAGTCCACCCTGTGCGTGGGATTCTCTTCTCAGCTCCAGCCCCGGGGTGCATGTGAGA[CAG>C]ACCAAGGAGGCGCCGGCCAAGCTGGAGTCCCAGGCTGGGCAGCAGGTGTCCCGTGGGGCC-3'

ClinVar aggregate classification (germline): Pathogenic. Review status: criteria provided, single submitter (1 of 4 stars). 2 submissions from 2 submitters: Pathogenic (1). 1 of the submissions does not count toward it. Last evaluated 2025-08-18.

Conditions:
Tuberous sclerosis syndrome (TSC). Also called: Tuberous Sclerosis Complex; Tuberous sclerosis. Identifiers: Orphanet 805, MedGen C0041341, MONDO:0001734.
Tuberous sclerosis 2 (TSC2). Identifiers: Orphanet 805, MedGen C1860707, MONDO:0013199, OMIM 613254.

Submissions (2):

Labcorp Genetics (formerly Invitae), Labcorp
Classification: Pathogenic for Tuberous sclerosis 2. Last evaluated: 2025-08-18. Review status: criteria provided, single submitter. Criteria: Invitae Variant Classification Sherloc (09022015). Collection method: clinical testing. Allele origin: germline.
Comment: This sequence change creates a premature translational stop signal (p.Gln1104Hisfs*63) in the TSC2 gene. It is expected to result in an absent or disrupted protein product. Loss-of-function variants in TSC2 are known to be pathogenic (PMID: 10205261, 17304050). This variant is not present in population databases (gnomAD no frequency). This premature translational stop signal has been observed in individual(s) with tuberous sclerosis complex (PMID: 23661441). ClinVar contains an entry for this variant (Variation ID: 65252). Algorithms developed to predict the effect of sequence changes on RNA splicing suggest that this variant may disrupt the consensus splice site. For these reasons, this variant has been classified as Pathogenic.

Tuberous sclerosis database (TSC2)
No classification provided. Condition: TSC. Review status: no classification provided. Criteria: Tuberous Sclerosis Database Assertion Criteria 2015. Collection method: curation. Allele origin: germline. Affected: yes. Not counted in ClinVar's aggregate classification.

Literature cited by the submitters: PubMed 10205261 (cited by Labcorp Genetics (formerly Invitae), Labcorp); PubMed 17304050 (cited by Labcorp Genetics (formerly Invitae), Labcorp); PubMed 23661441 (cited by Labcorp Genetics (formerly Invitae), Labcorp).